The following is an entry in ClinVar:

NM_012123.4(MTO1):c.791C>T (p.Pro264Leu)

Gene: MTO1 (mitochondrial tRNA translation optimization 1; plus strand). Cytogenetic location: 6q13.
Variant type: single nucleotide variant.
Coding change: c.791C>T on transcript NM_012123.4 (MANE Select); coding-DNA position 791, C replaced by T.
Protein change: p.Pro264Leu; replaces proline 264 with leucine.
Molecular consequence: missense variant.
Genome position (GRCh38, 1-based): chr6:73,473,620, C>T. VCF-style: chr6-73473620-C-T. GRCh37 (hg19) VCF-style: chr6-74183343-C-T.
Other names: c.791C>T, p.Pro264Leu (NM_001123226.2, NM_133645.3); short protein forms P264L.
Identifiers: ClinVar variation 426615 (VCV000426615.10), dbSNP rs1025884753, ClinGen allele CA140957247.
Genomic context (GRCh38, chr6:73,473,620, plus strand): 5'-CCAAAGAGTCCATTAATTTCAGTATTCTAAACAAGCATATACCGGACAATCCATCCATAC[C>T]ATTCAGCTTTACCAATGAGACAGTATGGATTAAGGTAAGATACTTTACGAAAACCTGGCT-3'
Protein context (NP_036255.2, residues 254-274): NKHIPDNPSI[Pro264Leu]FSFTNETVWI

ClinVar aggregate classification (germline): Conflicting classifications of pathogenicity. Review status: criteria provided, conflicting classifications (1 of 4 stars). 4 submissions from 4 submitters: Likely pathogenic (1); Uncertain significance (3). Last evaluated 2024-05-09.

Conditions:
Mitochondrial hypertrophic cardiomyopathy with lactic acidosis due to MTO1 deficiency. Also called: CARDIOMYOPATHY, INFANTILE HYPERTROPHIC MITOCHONDRIAL, AND LACTIC ACIDOSIS; Combined oxidative phosphorylation deficiency 10. Identifiers: Orphanet 314637, MedGen C4749921, MONDO:0013865, OMIM 614702.

Allele frequency attached by ClinVar (database versions not stated): gnomAD 0.00001; TOPMed 0.00002; gnomAD exomes below 0.00001.
gnomAD v4.1: 7 of 1,613,536 alleles (0.00043%); highest among the groups gnomAD compares: Non-Finnish European, 0.00059%; no homozygotes.

Submissions (4):

GeneDx
Classification: Likely pathogenic. Last evaluated: 2024-05-09. Review status: criteria provided, single submitter. Criteria: GeneDx Variant Classification Process June 2021. Collection method: clinical testing. Allele origin: germline. Affected: yes.
Comment: Not observed at significant frequency in large population cohorts (gnomAD); In silico analysis supports that this missense variant has a deleterious effect on protein structure/function; Has not been previously published as pathogenic or benign to our knowledge

Women's Health and Genetics/Laboratory Corporation of America, LabCorp
Classification: Uncertain significance. Last evaluated: 2023-09-07. Review status: criteria provided, single submitter. Criteria: LabCorp Variant Classification Summary - May 2015. Collection method: clinical testing. Allele origin: germline.
Comment: Variant summary: MTO1 c.791C>T (p.Pro264Leu) results in a non-conservative amino acid change located in the MnmG, N-terminal domain (IPR040131) of the encoded protein sequence. Five of five in-silico tools predict a damaging effect of the variant on protein function. The variant allele was found at a frequency of 4e-06 in 251190 control chromosomes (gnomAD). The available data on variant occurrences in the general population are insufficient to allow any conclusion about variant significance. To our knowledge, no occurrence of c.791C>T in individuals affected with Combined Oxidative Phosphorylation Deficiency 10 and no experimental evidence demonstrating its impact on protein function have been reported. Three submitters have reported clinical-significance assessments for this variant to ClinVar after 2014 with conflicting assessments (uncertain significance, n = 2; likely pathogenic, n = 1). Based on the evidence outlined above, the variant was classified as uncertain significance.

Greenwood Genetic Center Diagnostic Laboratories, Greenwood Genetic Center
Classification: Uncertain significance. Last evaluated: 2022-10-03. Review status: criteria provided, single submitter. Criteria: ACMG Guidelines, 2015. Collection method: clinical testing. Allele origin: germline. Affected: yes.
Comment: PM2

Labcorp Genetics (formerly Invitae), Labcorp
Classification: Uncertain significance for Mitochondrial hypertrophic cardiomyopathy with lactic acidosis due to MTO1 deficiency. Last evaluated: 2022-09-01. Review status: criteria provided, single submitter. Criteria: Invitae Variant Classification Sherloc (09022015). Collection method: clinical testing. Allele origin: germline.
Comment: This sequence change replaces proline, which is neutral and non-polar, with leucine, which is neutral and non-polar, at codon 264 of the MTO1 protein (p.Pro264Leu). This variant is present in population databases (no rsID available, gnomAD 0.0009%). This variant has not been reported in the literature in individuals affected with MTO1-related conditions. ClinVar contains an entry for this variant (Variation ID: 426615). Algorithms developed to predict the effect of missense changes on protein structure and function are either unavailable or do not agree on the potential impact of this missense change (SIFT: "Deleterious"; PolyPhen-2: "Probably Damaging"; Align-GVGD: "Class C0"). In summary, the available evidence is currently insufficient to determine the role of this variant in disease. Therefore, it has been classified as a Variant of Uncertain Significance.